The following is an entry in ClinVar:

NM_001105206.3(LAMA4):c.454G>A (p.Ala152Thr)

Gene: LAMA4 (laminin subunit alpha 4; minus strand). Cytogenetic location: 6q21.
Variant type: single nucleotide variant.
Coding change: c.454G>A on transcript NM_001105206.3 (MANE Select); coding-DNA position 454, G replaced by A.
Protein change: p.Ala152Thr; replaces alanine 152 with threonine.
Molecular consequence: missense variant.
Genome position (GRCh38, 1-based): chr6:112,201,657, C>T on the plus strand (G>A on the coding strand, the complement: LAMA4 is on the minus strand). VCF-style: chr6-112201657-C-T. GRCh37 (hg19) VCF-style: chr6-112522858-C-T.
Other names: c.454G>A, p.Ala152Thr (NM_001105207.3, NM_002290.5); short protein forms A152T.
Identifiers: ClinVar variation 2752787 (VCV002752787.3), dbSNP rs2547179845, ClinGen allele CA365379783.

ClinVar aggregate classification (germline): Uncertain significance (1 of 4 stars; one submission).

Conditions:
Dilated cardiomyopathy 1JJ (CMD1JJ). Identifiers: Orphanet 154, MedGen C3808935, MONDO:0014095, OMIM 615235.

Submission:

Labcorp Genetics (formerly Invitae), Labcorp
Classification: Uncertain significance for Dilated cardiomyopathy 1JJ. Last evaluated: 2023-08-16. Review status: criteria provided, single submitter. Criteria: Invitae Variant Classification Sherloc (09022015). Collection method: clinical testing. Allele origin: germline.
Comment: This sequence change replaces alanine, which is neutral and non-polar, with threonine, which is neutral and polar, at codon 152 of the LAMA4 protein (p.Ala152Thr). This variant is not present in population databases (gnomAD no frequency). This variant has not been reported in the literature in individuals affected with LAMA4-related conditions. An algorithm developed to predict the effect of missense changes on protein structure and function (PolyPhen-2) suggests that this variant is likely to be tolerated. In summary, the available evidence is currently insufficient to determine the role of this variant in disease. Therefore, it has been classified as a Variant of Uncertain Significance.